The following is an entry in ClinVar:

NM_174936.4(PCSK9):c.202G>A (p.Ala68Thr)

Gene: PCSK9 (proprotein convertase subtilisin/kexin type 9; plus strand). Cytogenetic location: 1p32.3.
Variant type: single nucleotide variant.
Coding change: c.202G>A on transcript NM_174936.4 (MANE Select); coding-DNA position 202, G replaced by A.
Protein change: p.Ala68Thr; replaces alanine 68 with threonine.
Molecular consequence: missense variant.
Genome position (GRCh38, 1-based): chr1:55,040,039, G>A. VCF-style: chr1-55040039-G-A. GRCh37 (hg19) VCF-style: chr1-55505712-G-A.
Other names: p.Ala68Thr; short protein forms A68T.
Identifiers: ClinVar variation 876271 (VCV000876271.6), dbSNP rs778639605, ClinGen allele CA040390.

ClinVar aggregate classification (germline): Uncertain significance. Review status: criteria provided, multiple submitters, no conflicts (2 of 4 stars). 4 submissions from 3 submitters: Uncertain significance (4). Last evaluated 2025-07-07.

Conditions:
Hypercholesterolemia, autosomal dominant, 3 (FHCL3). Also called: PCSK9-Related Familial Hypercholesterolemia, Autosomal Dominant; Familial Hypercholesterolemia, Autosomal Dominant, 3; Familial hypercholesterolemia 3. Identifiers: MedGen C1863551, MONDO:0011369, OMIM 603776.
Familial hypercholesterolemia. Also called: Familial hypercholesterolemias; Familial hypercholesterolaemia. Identifiers: MedGen C0020445, MONDO:0005439.
Hypobetalipoproteinemia. Identifiers: Orphanet 31154, MedGen C0020597, MONDO:0017774.

Allele frequency attached by ClinVar (database versions not stated): TOPMed below 0.00001; gnomAD 0.00001; gnomAD exomes 0.00001; ExAC 0.00004.

Submissions (4):

Color Diagnostics, LLC DBA Color Health
Classification: Uncertain significance for Familial hypercholesterolemia. Last evaluated: 2025-07-07. Review status: criteria provided, single submitter. Criteria: ACMG Guidelines, 2015. Collection method: clinical testing. Allele origin: germline.
Comment: This missense variant replaces alanine with threonine at codon 68 of the PCSK9 protein. Computational prediction suggests that this variant may not impact protein structure and function. To our knowledge, functional studies have not been reported for this variant. This variant has been reported in an individual affected with familial hypercholesterolemia (PMID: 17316651) and in an individual with low circulating LDL-C (PMID: 17316651). This variant has been identified in 1/170168 chromosomes in the general population by the Genome Aggregation Database (gnomAD). The available evidence is insufficient to determine the role of this variant in disease conclusively. Therefore, this variant is classified as a Variant of Uncertain Significance.

Mayo Clinic Laboratories, Mayo Clinic
Classification: Uncertain significance. Last evaluated: 2023-10-10. Review status: criteria provided, single submitter. Criteria: ACMG Guidelines, 2015. Collection method: clinical testing. Allele origin: germline. Observed: 1 variant allele.
Comment: BP4

Illumina Laboratory Services, Illumina
Classification: Uncertain significance for Hypercholesterolemia, autosomal dominant, 3. Last evaluated: 2017-04-27. Review status: criteria provided, single submitter. Criteria: ICSL Variant Classification Criteria 13 December 2019. Collection method: clinical testing. Allele origin: germline.
Comment: This variant was observed as part of a predisposition screen in an ostensibly healthy population. A literature search was performed for the gene, cDNA change, and amino acid change (where applicable). Publications were found based on this search. However, the evidence from the literature, in combination with allele frequency data from public databases where available, was not sufficient to rule this variant in or out of causing disease. Therefore, this variant is classified as a variant of unknown significance.

Illumina Laboratory Services, Illumina
Classification: Uncertain significance for Hypobetalipoproteinemia. Last evaluated: 2017-04-27. Review status: criteria provided, single submitter. Criteria: ICSL Variant Classification Criteria 13 December 2019. Collection method: clinical testing. Allele origin: germline.

Literature cited by the submitters: PubMed 17316651 (cited by 3 submitters).